The following is an entry in ClinVar:

ClinVar aggregate classification (germline): Conflicting classifications of pathogenicity. Review status: criteria provided, conflicting classifications (1 of 4 stars). 4 submissions from 4 submitters: Uncertain significance (2); Likely benign (2). Last evaluated 2023-08-04.

Conditions:
Inborn genetic diseases. Identifiers: MedGen C0950123, MeSH D030342.
Charcot-Marie-Tooth disease. Also called: Charcot-Marie-Tooth Hereditary Neuropathy; Charcot-Marie-Tooth Neuropathy. Identifiers: Orphanet 166, MedGen C0007959, MONDO:0015626.
Charcot-Marie-Tooth disease type 4. Also called: Charcot-Marie-Tooth disease, type IV; Charcot-Marie-Tooth, Type 4. Identifiers: Orphanet 64749, MedGen C4082197, MONDO:0018995.

Allele frequency attached by ClinVar (database versions not stated): ExAC 0.00002; gnomAD 0.00003; TOPMed 0.00003; gnomAD exomes 0.00007; ESP Exome Variant Server 0.00008.
gnomAD v4.1: 116 of 1,609,720 alleles (0.0072%); highest among the groups gnomAD compares: Non-Finnish European, 0.0088%; no homozygotes.

Submissions (4):

Ambry Genetics
Classification: Uncertain significance for Inborn genetic diseases. Last evaluated: 2023-08-04. Review status: criteria provided, single submitter. Criteria: Ambry Variant Classification Scheme 2023. Collection method: clinical testing. Allele origin: germline.
Comment: Occurs in the last base pair of the exon Based on insufficient or conflicting evidence, the clinical significance of this alteration remains unclear.

Labcorp Genetics (formerly Invitae), Labcorp
Classification: Uncertain significance for Charcot-Marie-Tooth disease type 4. Last evaluated: 2022-04-12. Review status: criteria provided, single submitter. Criteria: Invitae Variant Classification Sherloc (09022015). Collection method: clinical testing. Allele origin: germline.
Comment: This sequence change affects codon 462 of the MTMR2 mRNA. It is a 'silent' change, meaning that it does not change the encoded amino acid sequence of the MTMR2 protein. It affects a nucleotide within the consensus splice site. This variant is present in population databases (rs139369561, gnomAD 0.008%). This variant has not been reported in the literature in individuals affected with MTMR2-related conditions. ClinVar contains an entry for this variant (Variation ID: 386798). Algorithms developed to predict the effect of sequence changes on RNA splicing suggest that this variant may disrupt the consensus splice site. In summary, the available evidence is currently insufficient to determine the role of this variant in disease. Therefore, it has been classified as a Variant of Uncertain Significance.

GeneDx
Classification: Likely benign. Last evaluated: 2016-06-10. Review status: criteria provided, single submitter. Criteria: GeneDx Variant Classification (06012015). Collection method: clinical testing. Allele origin: germline. Affected: yes.
Comment: This variant is considered likely benign or benign based on one or more of the following criteria: it is a conservative change, it occurs at a poorly conserved position in the protein, it is predicted to be benign by multiple in silico algorithms, and/or has population frequency not consistent with disease.

Molecular Genetics Laboratory, London Health Sciences Centre
Classification: Likely benign for Charcot-Marie-Tooth disease. Review status: criteria provided, single submitter. Criteria: ACMG Guidelines, 2015. Collection method: clinical testing. Allele origin: germline. Affected: yes.

NM_016156.6(MTMR2):c.1386A>G (p.Leu462=)

Gene: MTMR2 (myotubularin related protein 2; minus strand). Cytogenetic location: 11q21.
Variant type: single nucleotide variant.
Coding change: c.1386A>G on transcript NM_016156.6 (MANE Select); coding-DNA position 1386, A replaced by G.
Protein change: p.Leu462=; no amino-acid change (leucine 462 retained).
Molecular consequence: synonymous variant.
Genome position (GRCh38, 1-based): chr11:95,844,953, T>C on the plus strand (A>G on the coding strand, the complement: MTMR2 is on the minus strand). VCF-style: chr11-95844953-T-C. GRCh37 (hg19) VCF-style: chr11-95578117-T-C.
Other names: c.1170A>G, p.Leu390= (NM_001243571.2, NM_201278.3, NM_201281.3).
Identifiers: ClinVar variation 386798 (VCV000386798.11), dbSNP rs139369561, ClinGen allele CA6240022.